The following is an entry in ClinVar:

ClinVar aggregate classification (germline): Uncertain significance (1 of 4 stars; one submission).

Conditions:
Mowat-Wilson syndrome (MOWS). Also called: Classic Mowat-Wilson Syndrome. Identifiers: Orphanet 2152, MedGen C1856113, MONDO:0009341, OMIM 235730.

Allele frequency attached by ClinVar (database versions not stated): gnomAD 0.00001.
gnomAD v4.1: 1 of 1,614,068 alleles (0.000062%); highest among the groups gnomAD compares: African/African-American, 0.0013%; no homozygotes.

Submission:

Labcorp Genetics (formerly Invitae), Labcorp
Classification: Uncertain significance for Mowat-Wilson syndrome. Last evaluated: 2025-05-19. Review status: criteria provided, single submitter. Criteria: Invitae Variant Classification Sherloc (09022015). Collection method: clinical testing. Allele origin: germline.
Comment: This sequence change replaces asparagine, which is neutral and polar, with serine, which is neutral and polar, at codon 873 of the ZEB2 protein (p.Asn873Ser). This variant is not present in population databases (gnomAD no frequency). This variant has not been reported in the literature in individuals affected with ZEB2-related conditions. ClinVar contains an entry for this variant (Variation ID: 2127720). Invitae Evidence Modeling of protein sequence and biophysical properties (such as structural, functional, and spatial information, amino acid conservation, physicochemical variation, residue mobility, and thermodynamic stability) indicates that this missense variant is not expected to disrupt ZEB2 protein function with a negative predictive value of 80%. In summary, the available evidence is currently insufficient to determine the role of this variant in disease. Therefore, it has been classified as a Variant of Uncertain Significance.

NM_014795.4(ZEB2):c.2618A>G (p.Asn873Ser)

Gene: ZEB2 (zinc finger E-box binding homeobox 2; minus strand). Cytogenetic location: 2q22.3.
Variant type: single nucleotide variant.
Coding change: c.2618A>G on transcript NM_014795.4 (MANE Select); coding-DNA position 2618, A replaced by G.
Protein change: p.Asn873Ser; replaces asparagine 873 with serine.
Molecular consequence: missense variant.
Genome position (GRCh38, 1-based): chr2:144,398,569, T>C on the plus strand (A>G on the coding strand, the complement: ZEB2 is on the minus strand). VCF-style: chr2-144398569-T-C. GRCh37 (hg19) VCF-style: chr2-145156136-T-C.
Other names: c.2546A>G, p.Asn849Ser (NM_001171653.2); short protein forms N849S, N873S.
Identifiers: ClinVar variation 2127720 (VCV002127720.4), dbSNP rs1703262061, ClinGen allele CA348707738.